The following is an entry in ClinVar:

ClinVar aggregate classification (germline): Uncertain significance (1 of 4 stars; one submission).

Allele frequency attached by ClinVar (database versions not stated): gnomAD exomes below 0.00001 and 0.00002; gnomAD 0.00001; ExAC 0.00002.

Submission:

Labcorp Genetics (formerly Invitae), Labcorp
Classification: Uncertain significance. Last evaluated: 2024-10-21. Review status: criteria provided, single submitter. Criteria: Invitae Variant Classification Sherloc (09022015). Collection method: clinical testing. Allele origin: germline.
Comment: This sequence change replaces methionine, which is neutral and non-polar, with valine, which is neutral and non-polar, at codon 1435 of the TRPM1 protein (p.Met1435Val). This variant is present in population databases (rs760089242, gnomAD 0.01%). This variant has not been reported in the literature in individuals affected with TRPM1-related conditions. ClinVar contains an entry for this variant (Variation ID: 315492). Invitae Evidence Modeling of protein sequence and biophysical properties (such as structural, functional, and spatial information, amino acid conservation, physicochemical variation, residue mobility, and thermodynamic stability) indicates that this missense variant is not expected to disrupt TRPM1 protein function with a negative predictive value of 95%. In summary, the available evidence is currently insufficient to determine the role of this variant in disease. Therefore, it has been classified as a Variant of Uncertain Significance.

NM_001252024.2(TRPM1):c.4369A>G (p.Met1457Val)

Gene: TRPM1 (transient receptor potential cation channel subfamily M member 1; minus strand). Cytogenetic location: 15q13.3.
Variant type: single nucleotide variant.
Coding change: c.4369A>G on transcript NM_001252024.2 (MANE Select); coding-DNA position 4369, A replaced by G.
Protein change: p.Met1457Val; replaces methionine 1457 with valine.
Molecular consequence: missense variant.
Genome position (GRCh38, 1-based): chr15:31,002,331, T>C on the plus strand (A>G on the coding strand, the complement: TRPM1 is on the minus strand). VCF-style: chr15-31002331-T-C. GRCh37 (hg19) VCF-style: chr15-31294534-T-C.
Other names: c.4420A>G, p.Met1474Val (NM_001252020.2); c.4303A>G, p.Met1435Val (NM_002420.6); short protein forms M1435V, M1457V, M1474V.
Identifiers: ClinVar variation 315492 (VCV000315492.9), dbSNP rs760089242, ClinGen allele CA7451652.